The following is an entry in ClinVar:

NC_000001.10:g.(?_213056693)_(213058758_?)dup

Gene: FLVCR1 (FLVCR choline and heme transporter 1; plus strand). Cytogenetic location: 1q32.3.
Variant type: Duplication.
Identifiers: ClinVar variation 2425888 (VCV002425888.4).

ClinVar aggregate classification (germline): Likely pathogenic (1 of 4 stars; one submission).

Submission:

Labcorp Genetics (formerly Invitae), Labcorp
Classification: Likely pathogenic. Last evaluated: 2022-02-21. Review status: criteria provided, single submitter. Criteria: Invitae Variant Classification Sherloc (09022015). Collection method: clinical testing. Allele origin: germline.
Comment: In summary, the currently available evidence indicates that the variant is pathogenic, but additional data are needed to prove that conclusively. Therefore, this variant has been classified as Likely Pathogenic. This variant has not been reported in the literature in individuals affected with FLVCR1-related conditions. This variant results in a copy number gain of the genomic region encompassing exon(s) 4-5 of the FLVCR1 gene. While the exact position of this variant cannot be determined from the data, sub-genic copy number gains are generally in tandem (PMID: 25640679). This variant is predicted to be out-of-frame, and may result in an absent or disrupted protein product. Loss-of-function variants in FLVCR1 are known to be pathogenic (PMID: 23591405, 27923065).

Literature cited by the submitters: PubMed 25640679; PubMed 23591405; PubMed 27923065.